The following is an entry in ClinVar:

ClinVar aggregate classification (germline): Pathogenic/Likely pathogenic. Review status: criteria provided, multiple submitters, no conflicts (2 of 4 stars). 2 submissions from 2 submitters: Pathogenic (1); Likely pathogenic (1). Last evaluated 2021-01-27.

Conditions:
CHAMP1-related syndrome.

Submissions (2):

GeneDx
Classification: Pathogenic. Last evaluated: 2021-01-27. Review status: criteria provided, single submitter. Criteria: GeneDx Variant Classification Process June 2021. Collection method: clinical testing. Allele origin: germline. Affected: yes.
Comment: Nonsense variant predicted to result in protein truncation as the last 104 amino acids are lost, although loss-of-function variants have not been reported downstream of this position in the Human Gene Mutation Database (Stenson et al., 2014); Not observed in large population cohorts (Lek et al., 2016); Has not been previously published as pathogenic or benign to our knowledge

Institute of Medical Genetics and Applied Genomics, University Hospital Tübingen
Classification: Likely pathogenic. Last evaluated: 2020-10-23. Review status: criteria provided, single submitter. Criteria: ACMG Guidelines, 2015. Collection method: clinical testing. Allele origin: germline. Inheritance: Autosomal dominant inheritance. Affected: yes.

NM_032436.4(CHAMP1):c.2127T>G (p.Tyr709Ter)

Gene: CHAMP1 (chromosome alignment maintaining phosphoprotein 1; plus strand). Cytogenetic location: 13q34.
Variant type: single nucleotide variant.
Coding change: c.2127T>G on transcript NM_032436.4 (MANE Select); coding-DNA position 2127, T replaced by G.
Protein change: p.Tyr709Ter; replaces tyrosine 709 with a stop codon.
Molecular consequence: nonsense.
Genome position (GRCh38, 1-based): chr13:114,325,969, T>G. VCF-style: chr13-114325969-T-G. GRCh37 (hg19) VCF-style: chr13-115091444-T-G.
Other names: c.2127T>G, p.Tyr709Ter (NM_001164144.3, NM_001164145.3); short protein forms Y709*.
Identifiers: ClinVar variation 523879 (VCV000523879.7), dbSNP rs1555379968, ClinGen allele CA388850459.